The following is an entry in ClinVar:

NM_001365276.2(TNXB):c.625A>G (p.Thr209Ala)

Gene: TNXB (tenascin XB; minus strand). Cytogenetic location: 6p21.33.
Variant type: single nucleotide variant.
Coding change: c.625A>G on transcript NM_001365276.2 (MANE Select); coding-DNA position 625, A replaced by G.
Protein change: p.Thr209Ala; replaces threonine 209 with alanine.
Molecular consequence: missense variant.
Genome position (GRCh38, 1-based): chr6:32,097,228, T>C on the plus strand (A>G on the coding strand, the complement: TNXB is on the minus strand). VCF-style: chr6-32097228-T-C. GRCh37 (hg19) VCF-style: chr6-32065005-T-C.
Other names: c.625A>G, p.Thr209Ala (NM_001428335.1, NM_019105.8); short protein forms T209A.
Identifiers: ClinVar variation 3459777 (VCV003459777.1).

ClinVar aggregate classification (germline): Uncertain significance (1 of 4 stars; one submission).

Conditions:
Cardiovascular phenotype. Identifiers: MedGen CN230736.

gnomAD v4.1: 2 of 1,602,964 alleles (0.00012%); highest among the groups gnomAD compares: Middle Eastern, 0.017%; no homozygotes.

Submission:

Ambry Genetics
Classification: Uncertain significance for Cardiovascular phenotype. Last evaluated: 2024-08-19. Review status: criteria provided, single submitter. Criteria: Ambry Variant Classification Scheme 2023. Collection method: clinical testing. Allele origin: germline.
Comment: The p.T209A variant (also known as c.625A>G), located in coding exon 2 of the TNXB gene, results from an A to G substitution at nucleotide position 625. The threonine at codon 209 is replaced by alanine, an amino acid with similar properties. This amino acid position is conserved. In addition, this alteration is predicted to be tolerated by in silico analysis. Based on the available evidence, the clinical significance of this variant remains unclear.